The following is an entry in ClinVar:

ClinVar aggregate classification (germline): Uncertain significance (1 of 4 stars; one submission).

Conditions:
Paget disease of bone 2, early-onset (PDB2). Also called: Paget disease of bone 2. Identifiers: MedGen C4085251, MONDO:0011183, OMIM 602080.
Frontotemporal dementia and/or amyotrophic lateral sclerosis 1 (FTDALS1). Also called: C9orf72 Frontotemporal Dementia and/or Amyotrophic Lateral Sclerosis; Frontotemporal dementia with motor neuron disease 1. Identifiers: Orphanet 275872, MedGen C5779877, MONDO:0007105, OMIM 105550.

Submission:

Labcorp Genetics (formerly Invitae), Labcorp
Classification: Uncertain significance for Paget disease of bone 2, early-onset; Frontotemporal dementia and/or amyotrophic lateral sclerosis 1. Last evaluated: 2025-03-13. Review status: criteria provided, single submitter. Criteria: Invitae Variant Classification Sherloc (09022015). Collection method: clinical testing. Allele origin: germline.
Comment: This sequence change replaces glutamine, which is neutral and polar, with lysine, which is basic and polar, at codon 371 of the SQSTM1 protein (p.Gln371Lys). This variant is not present in population databases (gnomAD no frequency). This variant has not been reported in the literature in individuals affected with SQSTM1-related conditions. ClinVar contains an entry for this variant (Variation ID: 2156105). Invitae Evidence Modeling of protein sequence and biophysical properties (such as structural, functional, and spatial information, amino acid conservation, physicochemical variation, residue mobility, and thermodynamic stability) indicates that this missense variant is not expected to disrupt SQSTM1 protein function with a negative predictive value of 80%. In summary, the available evidence is currently insufficient to determine the role of this variant in disease. Therefore, it has been classified as a Variant of Uncertain Significance.

NM_003900.5(SQSTM1):c.1111C>A (p.Gln371Lys)

Gene: SQSTM1 (sequestosome 1; plus strand). Cytogenetic location: 5q35.3.
Variant type: single nucleotide variant.
Coding change: c.1111C>A on transcript NM_003900.5 (MANE Select); coding-DNA position 1111, C replaced by A.
Protein change: p.Gln371Lys; replaces glutamine 371 with lysine.
Molecular consequence: missense variant.
Genome position (GRCh38, 1-based): chr5:179,833,728, C>A. VCF-style: chr5-179833728-C-A. GRCh37 (hg19) VCF-style: chr5-179260728-C-A.
Other names: c.859C>A, p.Gln287Lys (NM_001142298.2, NM_001142299.2); short protein forms Q287K, Q371K.
Identifiers: ClinVar variation 2156105 (VCV002156105.4), dbSNP rs1261101487, ClinGen allele CA362452934.